The following is an entry in ClinVar:

NM_020975.6(RET):c.1990G>T (p.Ala664Ser)

Gene: RET (ret proto-oncogene; plus strand). Cytogenetic location: 10q11.21.
Variant type: single nucleotide variant.
Coding change: c.1990G>T on transcript NM_020975.6 (MANE Select); coding-DNA position 1990, G replaced by T.
Protein change: p.Ala664Ser; replaces alanine 664 with serine.
Molecular consequence: missense variant.
Genome position (GRCh38, 1-based): chr10:43,114,590, G>T. VCF-style: chr10-43114590-G-T. GRCh37 (hg19) VCF-style: chr10-43610038-G-T.
Other names: c.1990G>T, p.Ala664Ser (NM_000323.2, NM_001406743.1, NM_001406744.1 and 4 more transcripts); c.1228G>T, p.Ala410Ser (NM_001355216.2); c.1594G>T, p.Ala532Ser (NM_001406772.1, NM_001406769.1); c.1552G>T, p.Ala518Ser (NM_001406773.1, NM_001406771.1); c.1465G>T, p.Ala489Ser (NM_001406774.1); c.1264G>T, p.Ala422Ser (NM_001406775.1, NM_001406776.1, NM_001406777.1 and 1 more transcripts); c.1093G>T, p.Ala365Ser (NM_001406779.1, NM_001406780.1, NM_001406781.1 and 1 more transcripts); c.541G>T, p.Ala181Ser (NM_001406792.1, NM_001406793.1, NM_001406794.1); and 7 more; short protein forms A410S, A664S, A229S, A518S, A568S, A334S, A489S, A181S.
Identifiers: ClinVar variation 655947 (VCV000655947.13), dbSNP rs1357060080, ClinGen allele CA376553093.

ClinVar aggregate classification (germline): Uncertain significance. Review status: criteria provided, multiple submitters, no conflicts (2 of 4 stars). 2 submissions from 2 submitters: Uncertain significance (2). Last evaluated 2025-10-30.

Conditions:
Multiple endocrine neoplasia, type 2 (MEN2). Identifiers: Orphanet 653, MedGen C4048306, MONDO:0019003. Disease mechanism: gain of function.
Hereditary cancer-predisposing syndrome. Also called: Hereditary neoplastic syndrome; Tumor predisposition; Neoplastic Syndromes, Hereditary; Hereditary Cancer Syndrome. Identifiers: Orphanet 140162, MedGen C0027672, MeSH D009386, MONDO:0015356.

Allele frequency attached by ClinVar (database versions not stated): TOPMed below 0.00001.

Submissions (2):

Ambry Genetics
Classification: Uncertain significance for Hereditary cancer-predisposing syndrome. Last evaluated: 2025-10-30. Review status: criteria provided, single submitter. Criteria: Ambry Variant Classification Scheme 2023. Collection method: clinical testing. Allele origin: germline.
Comment: The p.A664S variant (also known as c.1990G>T), located in coding exon 11 of the RET gene, results from a G to T substitution at nucleotide position 1990. The alanine at codon 664 is replaced by serine, an amino acid with similar properties. This amino acid position is poorly conserved in available vertebrate species. In addition, the in silico prediction for this alteration is inconclusive. Since supporting evidence is limited at this time, the clinical significance of this alteration remains unclear.

Labcorp Genetics (formerly Invitae), Labcorp
Classification: Uncertain significance for Multiple endocrine neoplasia, type 2. Last evaluated: 2024-12-11. Review status: criteria provided, single submitter. Criteria: Invitae Variant Classification Sherloc (09022015). Collection method: clinical testing. Allele origin: germline.
Comment: This sequence change replaces alanine, which is neutral and non-polar, with serine, which is neutral and polar, at codon 664 of the RET protein (p.Ala664Ser). This variant is not present in population databases (gnomAD no frequency). This variant has not been reported in the literature in individuals affected with RET-related conditions. ClinVar contains an entry for this variant (Variation ID: 655947). An algorithm developed to predict the effect of missense changes on protein structure and function outputs the following: PolyPhen-2: "Benign". The serine amino acid residue is found in multiple mammalian species, which suggests that this missense change does not adversely affect protein function. In summary, the available evidence is currently insufficient to determine the role of this variant in disease. Therefore, it has been classified as a Variant of Uncertain Significance.